The following is an entry in ClinVar:

ClinVar aggregate classification (germline): Likely pathogenic. Review status: criteria provided, multiple submitters, no conflicts (2 of 4 stars). 2 submissions from 2 submitters: Likely pathogenic (2). Last evaluated 2025-11-18.

Conditions:
Dilated cardiomyopathy 1G (CMD1G). Identifiers: Orphanet 154, MedGen C1858763, MONDO:0011400, OMIM 604145.
Autosomal recessive limb-girdle muscular dystrophy type 2J (LGMDR10). Also called: Limb-girdle muscular dystrophy, type 2J; MUSCULAR DYSTROPHY, LIMB-GIRDLE, AUTOSOMAL RECESSIVE 10. Identifiers: Orphanet 140922, MedGen C1837342, MONDO:0012127, OMIM 608807.
Cardiovascular phenotype. Identifiers: MedGen CN230736.

Submissions (2):

Ambry Genetics
Classification: Likely pathogenic for Cardiovascular phenotype. Last evaluated: 2025-11-18. Review status: criteria provided, single submitter. Criteria: Ambry Variant Classification Scheme 2023. Collection method: clinical testing. Allele origin: germline.
Comment: The c.27934_27935insC variant, located in coding exon 111 of the TTN gene, results from an insertion of one nucleotide at position 27934, causing a translational frameshift with a predicted alternate stop codon (p.E9312Afs*5). This exon is located in the A-band region of the N2-B isoform of the titin protein and is constitutively expressed in TTN transcripts (percent spliced in or PSI 100%). This alteration is expected to result in loss of function by premature protein truncation or nonsense-mediated mRNA decay. While truncating variants in TTN are present in 1-3% of the general population, truncating variants in the A-band are the most common cause of dilated cardiomyopathy (DCM) (Herman DS et al. N. Engl. J. Med., 2012 Feb;366:619-28; Roberts AM et al. Sci Transl Med, 2015 Jan;7:270ra6). TTN truncating variants encoded in constitutive exons (PSI >90%) have been found to be significantly associated with DCM regardless of their position in titin (Schafer S et al. Nat. Genet., 2017 01;49:46-53). This variant is considered to be rare based on population cohorts in the Genome Aggregation Database (gnomAD). As such, this alteration is classified as likely pathogenic.

Labcorp Genetics (formerly Invitae), Labcorp
Classification: Likely pathogenic for Dilated cardiomyopathy 1G; Autosomal recessive limb-girdle muscular dystrophy type 2J. Last evaluated: 2025-04-17. Review status: criteria provided, single submitter. Criteria: Invitae Variant Classification Sherloc (09022015). Collection method: clinical testing. Allele origin: germline.
Comment: This sequence change creates a premature translational stop signal (p.Glu18377Alafs*5) in the TTN gene. While this is not anticipated to result in nonsense mediated decay, it is expected to create a truncated TTN protein. This variant is not present in population databases (gnomAD no frequency). This variant has not been reported in the literature in individuals affected with TTN-related conditions. ClinVar contains an entry for this variant (Variation ID: 1487078). This variant is located in the A band of TTN (PMID: 25589632). Truncating variants in this region are significantly overrepresented in patients affected with dilated cardiomyopathy (PMID: 25589632). Truncating variants in this region have also been reported in individuals affected with autosomal recessive centronuclear myopathy (PMID: 23975875). In summary, the currently available evidence indicates that the variant is pathogenic, but additional data are needed to prove that conclusively. Therefore, this variant has been classified as Likely Pathogenic.

Literature cited by the submitters: PubMed 25589632 (cited by Labcorp Genetics (formerly Invitae), Labcorp); PubMed 23975875 (cited by Labcorp Genetics (formerly Invitae), Labcorp).

NM_001267550.2(TTN):c.55129_55130insC (p.Glu18377fs)

Genes: TTN-AS1 (TTN antisense RNA 1; plus strand), TTN (titin; minus strand). Cytogenetic location: 2q31.2.
Variant type: Insertion.
Coding change: c.55129_55130insC on transcript NM_001267550.2 (MANE Select); coding-DNA positions 55129 to 55130, C inserted.
Protein change: p.Glu18377fs; shifts the reading frame from glutamic acid 18377.
Molecular consequence: frameshift variant.
Genome position: GRCh38 VCF-style: chr2-178602141-T-TG. GRCh37 (hg19) VCF-style: chr2-179466868-T-TG.
Other names: c.28309_28310insC, p.Glu9437fs (NM_133432.3); c.28510_28511insC, p.Glu9504fs (NM_133437.4); c.50206_50207insC, p.Glu16736fs (NM_001256850.1); c.27934_27935insC, p.Glu9312fs (NM_003319.4); c.47425_47426insC, p.Glu15809fs (NM_133378.4); short protein forms E9437fs, E9504fs, E16736fs, E15809fs, E18377fs, E9312fs.
Identifiers: ClinVar variation 1487078 (VCV001487078.9), dbSNP rs2154193431, ClinGen allele CA2573133882.